The following is an entry in ClinVar:

NM_015443.4(KANSL1):c.2480C>T (p.Ser827Phe)

Gene: KANSL1 (KAT8 regulatory NSL complex subunit 1). Cytogenetic location: 17q21.31.
Variant type: single nucleotide variant.
Coding change: c.2480C>T on transcript NM_015443.4 (MANE Select); coding-DNA position 2480, C replaced by T.
Protein change: p.Ser827Phe; replaces serine 827 with phenylalanine.
Molecular consequence: missense variant.
Genome position (GRCh38, 1-based): chr17:46,038,599, G>A on the plus strand (C>T on the coding strand, the complement: KANSL1 is on the minus strand). VCF-style: chr17-46038599-G-A. GRCh37 (hg19) VCF-style: chr17-44115965-G-A.
Other names: c.2480C>T, p.Ser827Phe (NM_001193465.2, NM_001193466.2, NM_001379198.1); short protein forms S827F.
Identifiers: ClinVar variation 511248 (VCV000511248.10), dbSNP rs773238363, ClinGen allele CA8618554.
Genomic context (GRCh38, chr17:46,038,599, plus strand): 5'-GATGTGCTGGCTGTAACCTGTGAGCTAGAGCTGGCGGGTGCAGGGGAATCTGAGGAGGTG[G>A]AGAGCTGTCGCACCAAGGGACTGTGTGGAGGATGGTGGGTGGCTGCCAAGTAGCTCGAAC-3'
Protein context (NP_056258.1, residues 817-837): PPHSPLVRQL[Ser827Phe]TSSDSPAPAS

ClinVar aggregate classification (germline): Conflicting classifications of pathogenicity. Review status: criteria provided, conflicting classifications (1 of 4 stars). 4 submissions from 4 submitters: Uncertain significance (2); Likely benign (2). Last evaluated 2025-04-22.

Conditions:
Koolen-de Vries syndrome (KDVS). Identifiers: Orphanet 96169, MedGen C1864871, MONDO:0012496, OMIM 610443.
Inborn genetic diseases. Identifiers: MedGen C0950123, MeSH D030342.

Allele frequency attached by ClinVar (database versions not stated): gnomAD 0.00004 and 0.00005; TOPMed 0.00004.
gnomAD v4.1: 11 of 1,614,066 alleles (0.00068%); highest among the groups gnomAD compares: African/African-American, 0.015%; no homozygotes.

Submissions (4):

Labcorp Genetics (formerly Invitae), Labcorp
Classification: Uncertain significance for Koolen-de Vries syndrome. Last evaluated: 2025-04-22. Review status: criteria provided, single submitter. Criteria: Invitae Variant Classification Sherloc (09022015). Collection method: clinical testing. Allele origin: germline.
Comment: This sequence change replaces serine, which is neutral and polar, with phenylalanine, which is neutral and non-polar, at codon 827 of the KANSL1 protein (p.Ser827Phe). This variant is present in population databases (rs773238363, gnomAD 0.02%). This variant has not been reported in the literature in individuals affected with KANSL1-related conditions. ClinVar contains an entry for this variant (Variation ID: 511248). Invitae Evidence Modeling of protein sequence and biophysical properties (such as structural, functional, and spatial information, amino acid conservation, physicochemical variation, residue mobility, and thermodynamic stability) indicates that this missense variant is not expected to disrupt KANSL1 protein function with a negative predictive value of 80%. In summary, the available evidence is currently insufficient to determine the role of this variant in disease. Therefore, it has been classified as a Variant of Uncertain Significance.

Ambry Genetics
Classification: Likely benign for Inborn genetic diseases. Last evaluated: 2024-05-30. Review status: criteria provided, single submitter. Criteria: Ambry Variant Classification Scheme 2023. Collection method: clinical testing. Allele origin: germline.

Fulgent Genetics
Classification: Uncertain significance for Koolen-de Vries syndrome. Last evaluated: 2024-02-19. Review status: criteria provided, single submitter. Criteria: ACMG Guidelines, 2015. Collection method: clinical testing. Allele origin: germline.

GeneDx
Classification: Likely benign. Last evaluated: 2017-08-04. Review status: criteria provided, single submitter. Criteria: GeneDx Variant Classification (06012015). Collection method: clinical testing. Allele origin: germline. Affected: yes.
Comment: This variant is considered likely benign or benign based on one or more of the following criteria: it is a conservative change, it occurs at a poorly conserved position in the protein, it is predicted to be benign by multiple in silico algorithms, and/or has population frequency not consistent with disease.